The following is an entry in ClinVar:

ClinVar aggregate classification (germline): Uncertain significance (1 of 4 stars; one submission).

Allele frequency attached by ClinVar (database versions not stated): ExAC 0.00002.
gnomAD v4.1: 8 of 1,613,976 alleles (0.0005%); highest among the groups gnomAD compares: Middle Eastern, 0.017%; no homozygotes.

Submission:

CeGaT Center for Human Genetics Tuebingen
Classification: Uncertain significance. Last evaluated: 2022-05-01. Review status: criteria provided, single submitter. Criteria: CeGaT Center For Human Genetics Tuebingen Variant Classification Criteria Version 2. Collection method: clinical testing. Allele origin: germline. Affected: yes. Observed: 1 variant allele.
Comment: CCDC88C: PM2, PP3

NM_001080414.4(CCDC88C):c.4111A>G (p.Ile1371Val)

Gene: CCDC88C (coiled-coil and HOOK domain protein 88C; minus strand). Cytogenetic location: 14q32.11.
Variant type: single nucleotide variant.
Coding change: c.4111A>G on transcript NM_001080414.4 (MANE Select); coding-DNA position 4111, A replaced by G.
Protein change: p.Ile1371Val; replaces isoleucine 1371 with valine.
Molecular consequence: missense variant.
Genome position (GRCh38, 1-based): chr14:91,294,174, T>C on the plus strand (A>G on the coding strand, the complement: CCDC88C is on the minus strand). VCF-style: chr14-91294174-T-C. GRCh37 (hg19) VCF-style: chr14-91760518-T-C.
Other names: short protein forms I1371V.
Identifiers: ClinVar variation 2644454 (VCV002644454.24), dbSNP rs752845894, ClinGen allele CA7309114.